The following is an entry in ClinVar:

NM_003638.3(ITGA8):c.1455G>A (p.Pro485=)

Gene: ITGA8 (integrin subunit alpha 8; minus strand). Cytogenetic location: 10p13.
Variant type: single nucleotide variant.
Coding change: c.1455G>A on transcript NM_003638.3 (MANE Select); coding-DNA position 1455, G replaced by A.
Protein change: p.Pro485=; no amino-acid change (proline 485 retained).
Molecular consequence: synonymous variant.
Genome position (GRCh38, 1-based): chr10:15,613,758, C>T on the plus strand (G>A on the coding strand, the complement: ITGA8 is on the minus strand). VCF-style: chr10-15613758-C-T. GRCh37 (hg19) VCF-style: chr10-15655757-C-T.
Other names: c.1410G>A, p.Pro470= (NM_001291494.2); c.1455G>A (NM_003638.2).
Identifiers: ClinVar variation 2066145 (VCV002066145.6), dbSNP rs200613964, ClinGen allele CA5420203.

ClinVar aggregate classification (germline): Benign. Review status: criteria provided, single submitter (1 of 4 stars). 2 submissions from 2 submitters: Benign (1). 1 of the submissions does not count toward it. Last evaluated 2025-08-28.

Conditions:
ITGA8-related disorder. Also called: ITGA8-related condition.

Allele frequency attached by ClinVar (database versions not stated): ESP Exome Variant Server 0.00015; 1000 Genomes Project 30x 0.00031; 1000 Genomes Project 0.00040.
gnomAD v4.1: 446 of 1,612,626 alleles (0.028%); highest among the groups gnomAD compares: South Asian, 0.28%; 4 homozygotes.

Submissions (2):

Labcorp Genetics (formerly Invitae), Labcorp
Classification: Benign. Last evaluated: 2025-08-28. Review status: criteria provided, single submitter. Criteria: Invitae Variant Classification Sherloc (09022015). Collection method: clinical testing. Allele origin: germline.

PreventionGenetics, part of Exact Sciences
Classification: Likely benign for ITGA8-related condition. Last evaluated: 2019-10-28. Review status: no assertion criteria provided. Collection method: clinical testing. Allele origin: germline. Not counted in ClinVar's aggregate classification.
Comment: This variant is classified as likely benign based on ACMG/AMP sequence variant interpretation guidelines (Richards et al. 2015 PMID: 25741868, with internal and published modifications).